The following is an entry in ClinVar:

NM_017849.4(TMEM127):c.115C>T (p.Leu39=)

Genes: TMEM127 (transmembrane protein 127; minus strand), LOC129934333 (ATAC-STARR-seq lymphoblastoid silent region 11759; plus strand). Cytogenetic location: 2q11.2.
Variant type: single nucleotide variant.
Coding change: c.115C>T on transcript NM_017849.4 (MANE Select); coding-DNA position 115, C replaced by T.
Protein change: p.Leu39=; no amino-acid change (leucine 39 retained).
Molecular consequence: synonymous variant.
Genome position (GRCh38, 1-based): chr2:96,265,267, G>A on the plus strand (C>T on the coding strand, the complement: TMEM127 is on the minus strand). VCF-style: chr2-96265267-G-A. GRCh37 (hg19) VCF-style: chr2-96931005-G-A.
Other names: c.115C>T, p.Leu39= (NM_001193304.3).
Identifiers: ClinVar variation 1077208 (VCV001077208.12), dbSNP rs1323504449, ClinGen allele CA427496368.

ClinVar aggregate classification (germline): Benign/Likely benign. Review status: criteria provided, multiple submitters, no conflicts (2 of 4 stars). 3 submissions from 3 submitters: Benign (1); Likely benign (2). Last evaluated 2026-07-29.

Conditions:
Hereditary pheochromocytoma and paraganglioma. Also called: Hereditary paragangliomas and pheochromocytomas; Hereditary Paraganglioma-Pheochromocytoma Syndromes; Hereditary pheochromocytoma-paraganglioma. Identifiers: Orphanet 29072, MedGen C4274332, MONDO:0017366.
Hereditary cancer-predisposing syndrome. Also called: Hereditary Cancer Syndrome; Hereditary neoplastic syndrome; Neoplastic Syndromes, Hereditary; Tumor predisposition. Identifiers: Orphanet 140162, MedGen C0027672, MeSH D009386, MONDO:0015356.

Allele frequency attached by ClinVar (database versions not stated): gnomAD 0.00001; TOPMed below 0.00001.

Submissions (3):

Myriad Genetics, Inc.
Classification: Benign for Hereditary pheochromocytoma and paraganglioma. Last evaluated: 2026-07-29. Review status: criteria provided, single submitter. Criteria: Myriad Autosomal Dominant, Autosomal Recessive and X-Linked Classification Criteria (2023). Collection method: clinical testing. Allele origin: unknown.
Comment: This variant is considered benign. This variant is a silent/synonymous amino acid change and it is not expected to impact splicing.

Labcorp Genetics (formerly Invitae), Labcorp
Classification: Likely benign for Hereditary pheochromocytoma and paraganglioma. Last evaluated: 2025-07-14. Review status: criteria provided, single submitter. Criteria: Invitae Variant Classification Sherloc (09022015). Collection method: clinical testing. Allele origin: germline.

Ambry Genetics
Classification: Likely benign for Hereditary cancer-predisposing syndrome. Last evaluated: 2020-03-05. Review status: criteria provided, single submitter. Criteria: Ambry Variant Classification Scheme 2023. Collection method: clinical testing. Allele origin: germline.